The following is an entry in ClinVar:

NM_032888.4(COL27A1):c.4351G>A (p.Gly1451Arg)

Gene: COL27A1 (collagen type XXVII alpha 1 chain; plus strand). Cytogenetic location: 9q32.
Variant type: single nucleotide variant.
Coding change: c.4351G>A on transcript NM_032888.4 (MANE Select); coding-DNA position 4351, G replaced by A.
Protein change: p.Gly1451Arg; replaces glycine 1451 with arginine.
Molecular consequence: missense variant.
Genome position (GRCh38, 1-based): chr9:114,290,314, G>A. VCF-style: chr9-114290314-G-A. GRCh37 (hg19) VCF-style: chr9-117052594-G-A.
Other names: c.4351G>A (NM_032888.2); short protein forms G1451R.
Identifiers: ClinVar variation 2145814 (VCV002145814.2), dbSNP rs761876047, ClinGen allele CA5202930.

ClinVar aggregate classification (germline): Uncertain significance. Review status: criteria provided, multiple submitters, no conflicts (2 of 4 stars). 2 submissions from 2 submitters: Uncertain significance (2). Last evaluated 2022-08-19.

Conditions:
Inborn genetic diseases. Identifiers: MedGen C0950123, MeSH D030342.

Allele frequency attached by ClinVar (database versions not stated): ExAC 0.00003.
gnomAD v4.1: 17 of 1,580,552 alleles (0.0011%); highest among the groups gnomAD compares: East Asian, 0.0092%; no homozygotes.

Submissions (2):

Labcorp Genetics (formerly Invitae), Labcorp
Classification: Uncertain significance. Last evaluated: 2022-08-19. Review status: criteria provided, single submitter. Criteria: Invitae Variant Classification Sherloc (09022015). Collection method: clinical testing. Allele origin: germline.
Comment: This sequence change replaces glycine, which is neutral and non-polar, with arginine, which is basic and polar, at codon 1451 of the COL27A1 protein (p.Gly1451Arg). The frequency data for this variant in the population databases is considered unreliable, as metrics indicate poor data quality at this position in the gnomAD database. This variant has not been reported in the literature in individuals affected with COL27A1-related conditions. Advanced modeling of protein sequence and biophysical properties (such as structural, functional, and spatial information, amino acid conservation, physicochemical variation, residue mobility, and thermodynamic stability) performed at Invitae indicates that this missense variant is expected to disrupt COL27A1 protein function. In summary, the available evidence is currently insufficient to determine the role of this variant in disease. Therefore, it has been classified as a Variant of Uncertain Significance.

Ambry Genetics
Classification: Uncertain significance for Inborn genetic diseases. Last evaluated: 2022-08-01. Review status: criteria provided, single submitter. Criteria: Ambry Variant Classification Scheme 2023. Collection method: clinical testing. Allele origin: germline.